The following is an entry in ClinVar:

NM_130384.3(ATRIP):c.639_640del (p.Asn213fs)

Genes: ATRIP (ATR interacting protein; plus strand), ATRIP-TREX1 (ATRIP-TREX1 readthrough; plus strand). Cytogenetic location: 3p21.31.
Variant type: Deletion.
Coding change: c.639_640del on transcript NM_130384.3 (MANE Select); coding-DNA positions 639 to 640, 2 bases deleted (TA; older notation c.639_640delTA).
Protein change: p.Asn213fs; shifts the reading frame from asparagine 213.
Molecular consequence: frameshift variant. On other transcripts: non-coding transcript variant (1).
Genome position (GRCh38, 1-based): chr3:48,454,386-48,454,387, TA deleted; deleting any 2 consecutive bases within chr3:48,454,385-48,454,387 gives the same sequence; the c. name uses the placement nearest the transcript's 3' end. VCF-style (leftmost placement, unchanged base first): chr3-48454384-AAT-A. GRCh37 (hg19) VCF-style: chr3-48495784-AAT-A.
Other names: c.258_259del, p.Asn86fs (NM_001271022.2); c.360_361del, p.Asn120fs (NM_001271023.2); c.639_640del, p.Asn213fs (NM_032166.4); short protein forms N120fs, N213fs, N86fs.
Identifiers: ClinVar variation 4644500 (VCV004644500.1).
Genomic context (GRCh38, chr3:48,454,384, plus strand): 5'-CAGTTTAAAGATGCAGAGATGAATGAATTAAGGACAAAGCTCCAGACCAGTGAACGAGCA[AAT>A]AAACTGGCTGCTCCCTCTGTTTCCCATGTCAGGTAATGATGGTGCTGGAGGGATAGTTCA-3'

ClinVar aggregate classification (germline): Uncertain significance (1 of 4 stars; one submission).

Submission:

Ambry Genetics
Classification: Uncertain significance. Last evaluated: 2025-09-18. Review status: criteria provided, single submitter. Criteria: Ambry Variant Classification Scheme 2023. Collection method: clinical testing. Allele origin: germline.
Comment: The c.639_640delTA variant, located in coding exon 4 of the ATRIP gene, results from a deletion of two nucleotides at nucleotide positions 639 to 640, causing a translational frameshift with a predicted alternate stop codon (p.N213Kfs*13). The evidence for this gene-disease relationship is limited; therefore, the clinical significance of this alteration is unclear.